The following is an entry in ClinVar:

NM_000747.3(CHRNB1):c.667G>A (p.Asp223Asn)

Gene: CHRNB1 (cholinergic receptor nicotinic beta 1 subunit; plus strand). Cytogenetic location: 17p13.1.
Variant type: single nucleotide variant.
Coding change: c.667G>A on transcript NM_000747.3 (MANE Select); coding-DNA position 667, G replaced by A.
Protein change: p.Asp223Asn; replaces aspartic acid 223 with asparagine.
Molecular consequence: missense variant.
Genome position (GRCh38, 1-based): chr17:7,448,635, G>A. VCF-style: chr17-7448635-G-A. GRCh37 (hg19) VCF-style: chr17-7351954-G-A.
Other names: c.667G>A (NM_000747.2); short protein forms D223N.
Identifiers: ClinVar variation 2420343 (VCV002420343.7), dbSNP rs986752899, ClinGen allele CA287425730.

ClinVar aggregate classification (germline): Uncertain significance. Review status: criteria provided, multiple submitters, no conflicts (2 of 4 stars). 2 submissions from 2 submitters: Uncertain significance (2). Last evaluated 2026-01-19.

Conditions:
Inborn genetic diseases. Identifiers: MedGen C0950123, MeSH D030342.
Congenital myasthenic syndrome 2A. Also called: Myasthenic syndrome, congenital, 2a, slow-channel. Identifiers: Orphanet 590, MedGen C4225374, MONDO:0014581, OMIM 616313.

Allele frequency attached by ClinVar (database versions not stated): gnomAD exomes 0.00002; gnomAD 0.00003; TOPMed 0.00007.
gnomAD v4.1: 37 of 1,613,938 alleles (0.0023%); highest among the groups gnomAD compares: Admixed American, 0.0067%; no homozygotes.

Submissions (2):

Labcorp Genetics (formerly Invitae), Labcorp
Classification: Uncertain significance for Congenital myasthenic syndrome 2A. Last evaluated: 2026-01-19. Review status: criteria provided, single submitter. Criteria: Invitae Variant Classification Sherloc (09022015). Collection method: clinical testing. Allele origin: germline.
Comment: This sequence change replaces aspartic acid, which is acidic and polar, with asparagine, which is neutral and polar, at codon 223 of the CHRNB1 protein (p.Asp223Asn). This variant is present in population databases (no rsID available, gnomAD 0.009%). This variant has not been reported in the literature in individuals affected with CHRNB1-related conditions. ClinVar contains an entry for this variant (Variation ID: 2420343). Invitae Evidence Modeling of protein sequence and biophysical properties (such as structural, functional, and spatial information, amino acid conservation, physicochemical variation, residue mobility, and thermodynamic stability) indicates that this missense variant is not expected to disrupt CHRNB1 protein function with a negative predictive value of 95%. In summary, the available evidence is currently insufficient to determine the role of this variant in disease. Therefore, it has been classified as a Variant of Uncertain Significance.

Ambry Genetics
Classification: Uncertain significance for Inborn genetic diseases. Last evaluated: 2023-11-13. Review status: criteria provided, single submitter. Criteria: Ambry Variant Classification Scheme 2023. Collection method: clinical testing. Allele origin: germline.